The following is an entry in ClinVar:

NM_005236.3(ERCC4):c.2266G>A (p.Val756Met)

Gene: ERCC4 (ERCC excision repair 4, endonuclease catalytic subunit; plus strand). Cytogenetic location: 16p13.12.
Variant type: single nucleotide variant.
Coding change: c.2266G>A on transcript NM_005236.3 (MANE Select); coding-DNA position 2266, G replaced by A.
Protein change: p.Val756Met; replaces valine 756 with methionine.
Molecular consequence: missense variant.
Genome position (GRCh38, 1-based): chr16:13,947,862, G>A. VCF-style: chr16-13947862-G-A. GRCh37 (hg19) VCF-style: chr16-14041719-G-A.
Other names: short protein forms V756M.
Identifiers: ClinVar variation 317820 (VCV000317820.11), dbSNP rs201501958, ClinGen allele CA7910715.
Genomic context (GRCh38, chr16:13,947,862, plus strand): 5'-TTAAATAACGGCCGCCTCTACAGCCAGTGCATCTCCATGTCCCGCTACTACAAGCGTCCC[G>A]TGCTTCTGATTGAGTTTGACCCTAGCAAGCCTTTCTCTCTCACTTCCCGAGGTGCCTTGT-3'
Protein context (NP_005227.1, residues 746-766): ISMSRYYKRP[Val756Met]LLIEFDPSKP

ClinVar aggregate classification (germline): Uncertain significance. Review status: criteria provided, multiple submitters, no conflicts (2 of 4 stars). 2 submissions from 2 submitters: Uncertain significance (2). Last evaluated 2023-08-25.

Conditions:
Xeroderma pigmentosum, group F (XPF). Also called: XERODERMA PIGMENTOSUM, COMPLEMENTATION GROUP F; XERODERMA PIGMENTOSUM VI; XP, GROUP F; ERCC4-Related Xeroderma Pigmentosum; XERODERMA PIGMENTOSUM, TYPE F; Xeroderma pigmentosum, type 6. Identifiers: MedGen C0268140, MONDO:0010215, OMIM 278760.
Cockayne syndrome. Identifiers: Orphanet 191, MedGen C0009207, MONDO:0016006.
Fanconi anemia complementation group Q. Identifiers: Orphanet 84, MedGen C3808988, MONDO:0014108, OMIM 615272.

Allele frequency attached by ClinVar (database versions not stated): gnomAD 0.00002 and 0.00003; TOPMed 0.00005; gnomAD exomes 0.00010 and 0.00013; ExAC 0.00021.
gnomAD v4.1: 157 of 1,613,996 alleles (0.0097%); highest among the groups gnomAD compares: East Asian, 0.065%; no homozygotes.

Submissions (2):

Labcorp Genetics (formerly Invitae), Labcorp
Classification: Uncertain significance for Fanconi anemia complementation group Q; Xeroderma pigmentosum, group F; Cockayne syndrome. Last evaluated: 2023-08-25. Review status: criteria provided, single submitter. Criteria: Invitae Variant Classification Sherloc (09022015). Collection method: clinical testing. Allele origin: germline.
Comment: This variant has not been reported in the literature in individuals affected with ERCC4-related conditions. ClinVar contains an entry for this variant (Variation ID: 317820). Advanced modeling of protein sequence and biophysical properties (such as structural, functional, and spatial information, amino acid conservation, physicochemical variation, residue mobility, and thermodynamic stability) performed at Invitae indicates that this missense variant is not expected to disrupt ERCC4 protein function. In summary, the available evidence is currently insufficient to determine the role of this variant in disease. Therefore, it has been classified as a Variant of Uncertain Significance. This sequence change replaces valine, which is neutral and non-polar, with methionine, which is neutral and non-polar, at codon 756 of the ERCC4 protein (p.Val756Met). This variant is present in population databases (rs201501958, gnomAD 0.02%).

Illumina Laboratory Services, Illumina
Classification: Uncertain significance for Xeroderma pigmentosum, group F. Last evaluated: 2018-01-13. Review status: criteria provided, single submitter. Criteria: ICSL Variant Classification Criteria 13 December 2019. Collection method: clinical testing. Allele origin: germline.